The following is an entry in ClinVar:

NM_001322934.2(NFKB2):c.736G>A (p.Val246Ile)

Genes: NFKB2 (nuclear factor kappa B subunit 2; plus strand), LOC121815964 (Sharpr-MPRA regulatory region 13585; plus strand). Cytogenetic location: 10q24.32.
Variant type: single nucleotide variant.
Coding change: c.736G>A on transcript NM_001322934.2 (MANE Select); coding-DNA position 736, G replaced by A.
Protein change: p.Val246Ile; replaces valine 246 with isoleucine.
Molecular consequence: missense variant.
Genome position (GRCh38, 1-based): chr10:102,398,055, G>A. VCF-style: chr10-102398055-G-A. GRCh37 (hg19) VCF-style: chr10-104157812-G-A.
Other names: c.736G>A, p.Val246Ile (NM_001077494.3, NM_001261403.3, NM_001288724.1 and 2 more transcripts); short protein forms V246I.
Identifiers: ClinVar variation 1435511 (VCV001435511.8), dbSNP rs368808361, ClinGen allele CA5664631.

ClinVar aggregate classification (germline): Uncertain significance. Review status: criteria provided, multiple submitters, no conflicts (2 of 4 stars). 2 submissions from 2 submitters: Uncertain significance (2). Last evaluated 2025-04-10.

Conditions:
Immunodeficiency, common variable, 10. Also called: DEFICIT IN ANTERIOR PITUITARY FUNCTION AND VARIABLE IMMUNODEFICIENCY; IMMUNODEFICIENCY, COMMON VARIABLE, WITH CENTRAL ADRENAL INSUFFICIENCY. Identifiers: MedGen C3809991, MONDO:0014260, OMIM 615577.

Allele frequency attached by ClinVar (database versions not stated): ExAC 0.00006; gnomAD 0.00021; 1000 Genomes Project 0.00040; gnomAD exomes 0.00001 and 0.00004; ESP Exome Variant Server 0.00008; TOPMed 0.00015; 1000 Genomes Project 30x 0.00031.

Submissions (2):

Labcorp Genetics (formerly Invitae), Labcorp
Classification: Uncertain significance for Immunodeficiency, common variable, 10. Last evaluated: 2025-04-10. Review status: criteria provided, single submitter. Criteria: Invitae Variant Classification Sherloc (09022015). Collection method: clinical testing. Allele origin: germline.
Comment: This sequence change replaces valine, which is neutral and non-polar, with isoleucine, which is neutral and non-polar, at codon 246 of the NFKB2 protein (p.Val246Ile). This variant is present in population databases (rs368808361, gnomAD 0.07%), and has an allele count higher than expected for a pathogenic variant. This variant has not been reported in the literature in individuals affected with NFKB2-related conditions. ClinVar contains an entry for this variant (Variation ID: 1435511). An algorithm developed to predict the effect of missense changes on protein structure and function (PolyPhen-2) suggests that this variant is likely to be tolerated. In summary, the available evidence is currently insufficient to determine the role of this variant in disease. Therefore, it has been classified as a Variant of Uncertain Significance.

Dasa
Classification: Uncertain significance. Last evaluated: 2025-02-18. Review status: criteria provided, single submitter. Criteria: DASA Assertion Criteria. Collection method: clinical testing. Allele origin: germline.
Comment: NM_001322934.2(NFKB2):c.736G>A (p.Val246Ile) is a missense variant that results in the substitution of valine with isoleucine. This variant is rare in population databases. Computational prediction algorithms are consistent with a benign effect. The currently available literature and clinical evidence are not sufficient to establish a definitive association between this variant and the reported condition. Therefore, this variant is classified as a variant of uncertain significance.